The following is an entry in ClinVar:

NM_004525.3(LRP2):c.9651T>G (p.Tyr3217Ter)

Gene: LRP2 (LDL receptor related protein 2; minus strand). Cytogenetic location: 2q31.1.
Variant type: single nucleotide variant.
Coding change: c.9651T>G on transcript NM_004525.3 (MANE Select); coding-DNA position 9651, T replaced by G.
Protein change: p.Tyr3217Ter; replaces tyrosine 3217 with a stop codon.
Molecular consequence: nonsense.
Genome position (GRCh38, 1-based): chr2:169,185,697, A>C on the plus strand (T>G on the coding strand, the complement: LRP2 is on the minus strand). VCF-style: chr2-169185697-A-C. GRCh37 (hg19) VCF-style: chr2-170042207-A-C.
Other names: short protein forms Y3217*.
Identifiers: ClinVar variation 2697382 (VCV002697382.3), dbSNP rs1390346184, ClinGen allele CA349153753.
Genomic context (GRCh38, chr2:169,185,697, plus strand): 5'-TACTCGGTCAAAATCTAATGCCACAACATTGTCCAGTCCTTCCAAGATGAGGGAGTAAAA[A>C]TAGCCATCTATAGTTAAATTTCTCAAATAGTAACGGTTGCTAAAAATGAGATAGGGTTCG-3'

ClinVar aggregate classification (germline): Pathogenic (1 of 4 stars; one submission).

Submission:

Labcorp Genetics (formerly Invitae), Labcorp
Classification: Pathogenic. Last evaluated: 2023-11-19. Review status: criteria provided, single submitter. Criteria: Invitae Variant Classification Sherloc (09022015). Collection method: clinical testing. Allele origin: germline.
Comment: This sequence change creates a premature translational stop signal (p.Tyr3217*) in the LRP2 gene. It is expected to result in an absent or disrupted protein product. Loss-of-function variants in LRP2 are known to be pathogenic (PMID: 17632512, 25682901). This variant is not present in population databases (gnomAD no frequency). This variant has not been reported in the literature in individuals affected with LRP2-related conditions. For these reasons, this variant has been classified as Pathogenic.

Literature cited by the submitters: PubMed 17632512; PubMed 25682901.